The following is an entry in ClinVar:

NM_001127496.3(SPRY4):c.629G>T (p.Cys210Phe)

Gene: SPRY4 (sprouty RTK signaling antagonist 4; minus strand). Cytogenetic location: 5q31.3.
Variant type: single nucleotide variant.
Coding change: c.629G>T on transcript NM_001127496.3 (MANE Select); coding-DNA position 629, G replaced by T.
Protein change: p.Cys210Phe; replaces cysteine 210 with phenylalanine.
Molecular consequence: missense variant.
Genome position (GRCh38, 1-based): chr5:142,314,480, C>A on the plus strand (G>T on the coding strand, the complement: SPRY4 is on the minus strand). VCF-style: chr5-142314480-C-A. GRCh37 (hg19) VCF-style: chr5-141694045-C-A.
Other names: c.629G>T, p.Cys210Phe (NM_001293289.3, NM_001293290.3); c.698G>T, p.Cys233Phe (NM_030964.5); short protein forms C233F, C210F.
Identifiers: ClinVar variation 1906800 (VCV001906800.6), dbSNP rs778859460, ClinGen allele CA3485503.

ClinVar aggregate classification (germline): Uncertain significance. Review status: criteria provided, multiple submitters, no conflicts (2 of 4 stars). 2 submissions from 2 submitters: Uncertain significance (2). Last evaluated 2025-02-18.

Allele frequency attached by ClinVar (database versions not stated): gnomAD exomes below 0.00001; TOPMed below 0.00001; ExAC 0.00001.
gnomAD v4.1: 2 of 1,614,196 alleles (0.00012%); highest among the groups gnomAD compares: Admixed American, 0.0033%; no homozygotes.

Submissions (2):

Women's Health and Genetics/Laboratory Corporation of America, LabCorp
Classification: Uncertain significance. Last evaluated: 2025-02-18. Review status: criteria provided, single submitter. Criteria: LabCorp Variant Classification Summary - May 2015. Collection method: clinical testing. Allele origin: germline.
Comment: Variant summary: SPRY4 c.698G>T (p.Cys233Phe) results in a non-conservative amino acid change in the encoded protein sequence. Five of five in-silico tools predict a damaging effect of the variant on protein function. The variant allele was found at a frequency of 4e-06 in 251192 control chromosomes. The available data on variant occurrences in the general population are insufficient to allow any conclusion about variant significance. To our knowledge, no occurrence of c.698G>T in individuals affected with Hypogonadotropic Hypogonadism 17 With Or Without Anosmia and no experimental evidence demonstrating its impact on protein function have been reported. ClinVar contains an entry for this variant (Variation ID: 1906800). Based on the evidence outlined above, the variant was classified as uncertain significance.

Labcorp Genetics (formerly Invitae), Labcorp
Classification: Uncertain significance. Last evaluated: 2022-01-03. Review status: criteria provided, single submitter. Criteria: Invitae Variant Classification Sherloc (09022015). Collection method: clinical testing. Allele origin: germline.
Comment: In summary, the available evidence is currently insufficient to determine the role of this variant in disease. Therefore, it has been classified as a Variant of Uncertain Significance. Algorithms developed to predict the effect of missense changes on protein structure and function (SIFT, PolyPhen-2, Align-GVGD) all suggest that this variant is likely to be disruptive. This variant has not been reported in the literature in individuals affected with SPRY4-related conditions. This variant is present in population databases (rs778859460, gnomAD 0.003%). This sequence change replaces cysteine, which is neutral and slightly polar, with phenylalanine, which is neutral and non-polar, at codon 233 of the SPRY4 protein (p.Cys233Phe).